The following is an entry in ClinVar:

ClinVar aggregate classification (germline): Conflicting classifications of pathogenicity. Review status: criteria provided, conflicting classifications (1 of 4 stars). 2 submissions from 2 submitters: Uncertain significance (1); Likely benign (1). Last evaluated 2025-05-04.

Allele frequency attached by ClinVar (database versions not stated): gnomAD exomes below 0.00001; ExAC 0.00001; TOPMed 0.00001; gnomAD 0.00002.
gnomAD v4.1: 13 of 1,613,378 alleles (0.00081%); highest among the groups gnomAD compares: Middle Eastern, 0.033%; no homozygotes.

Submissions (2):

Labcorp Genetics (formerly Invitae), Labcorp
Classification: Likely benign. Last evaluated: 2025-05-04. Review status: criteria provided, single submitter. Criteria: Invitae Variant Classification Sherloc (09022015). Collection method: clinical testing. Allele origin: germline.

GeneDx
Classification: Uncertain significance. Last evaluated: 2021-08-16. Review status: criteria provided, single submitter. Criteria: GeneDx Variant Classification Process June 2021. Collection method: clinical testing. Allele origin: germline. Affected: yes.
Comment: In silico analysis supports that this missense variant has a deleterious effect on protein structure/function; Has not been previously published as pathogenic or benign to our knowledge

NM_001374828.1(ARID1B):c.2129C>T (p.Pro710Leu)

Gene: ARID1B (AT-rich interaction domain 1B; plus strand). Cytogenetic location: 6q25.3.
Variant type: single nucleotide variant.
Coding change: c.2129C>T on transcript NM_001374828.1 (MANE Select); coding-DNA position 2129, C replaced by T.
Protein change: p.Pro710Leu; replaces proline 710 with leucine.
Molecular consequence: missense variant.
Genome position (GRCh38, 1-based): chr6:156,901,518, C>T. VCF-style: chr6-156901518-C-T. GRCh37 (hg19) VCF-style: chr6-157222652-C-T.
Other names: c.1919C>T (NM_020732.3); c.2168C>T, p.Pro723Leu (NM_001371656.1, NM_001374820.1); c.2129C>T, p.Pro710Leu (NM_017519.3); short protein forms P710L, P723L.
Identifiers: ClinVar variation 1193129 (VCV001193129.5), dbSNP rs558155146, ClinGen allele CA4066934.
Genomic context (GRCh38, chr6:156,901,518, plus strand): 5'-CCCCGCACCTCCCACCCCAGGCGCAGTATCTGCCGTCCCAGTCCCAGCAGAGGTACCAGC[C>T]GCAGCAGGTGAGCACAGTGCACTGCCCCGCAGGGCCCTGTTTTCTCCACCAAGGCAGACC-3'
Protein context (NP_001361757.1, residues 700-720): LPSQSQQRYQ[Pro710Leu]QQDMSQEGYG